The following is an entry in ClinVar:

ClinVar aggregate classification (germline): Uncertain significance (1 of 4 stars; one submission).

Conditions:
Hereditary cancer-predisposing syndrome. Also called: Neoplastic Syndromes, Hereditary; Tumor predisposition; Hereditary neoplastic syndrome; Hereditary Cancer Syndrome. Identifiers: Orphanet 140162, MedGen C0027672, MeSH D009386, MONDO:0015356.
Cardiovascular phenotype. Identifiers: MedGen CN230736.

Submission:

Ambry Genetics
Classification: Uncertain significance for Cardiovascular phenotype; Hereditary cancer-predisposing syndrome. Last evaluated: 2023-10-24. Review status: criteria provided, single submitter. Criteria: Ambry Variant Classification Scheme 2023. Collection method: clinical testing. Allele origin: germline.
Comment: The c.2988C>G variant (also known as p.V996V), located in coding exon 22 of the NF1 gene, results from a C to G substitution at nucleotide position 2988. This nucleotide substitution does not change the at codon 996. This nucleotide position is well conserved in available vertebrate species. In silico splice site analysis for this alteration is inconclusive. Since supporting evidence is limited at this time, the clinical significance of this alteration remains unclear.

NM_001042492.3(NF1):c.2988C>G (p.Val996=)

Gene: NF1 (neurofibromin 1; plus strand). Cytogenetic location: 17q11.2.
Variant type: single nucleotide variant.
Coding change: c.2988C>G on transcript NM_001042492.3 (MANE Select); coding-DNA position 2988, C replaced by G.
Protein change: p.Val996=; no amino-acid change (valine 996 retained).
Molecular consequence: synonymous variant.
Genome position (GRCh38, 1-based): chr17:31,229,972, C>G. VCF-style: chr17-31229972-C-G. GRCh37 (hg19) VCF-style: chr17-29556990-C-G.
Other names: c.2988C>G, p.Val996= (NM_000267.4).
Identifiers: ClinVar variation 3237708 (VCV003237708.1), dbSNP rs2151430849.